The following is an entry in ClinVar:

NM_000426.4(LAMA2):c.4996C>T (p.Gln1666Ter)

Gene: LAMA2 (laminin subunit alpha 2; plus strand). Cytogenetic location: 6q22.33.
Variant type: single nucleotide variant.
Coding change: c.4996C>T on transcript NM_000426.4 (MANE Select); coding-DNA position 4996, C replaced by T.
Protein change: p.Gln1666Ter; replaces glutamine 1666 with a stop codon.
Molecular consequence: nonsense.
Genome position (GRCh38, 1-based): chr6:129,383,158, C>T. VCF-style: chr6-129383158-C-T. GRCh37 (hg19) VCF-style: chr6-129704303-C-T.
Other names: c.4996C>T, p.Gln1666Ter (NM_001079823.2); short protein forms Q1666*.
Identifiers: ClinVar variation 1174129 (VCV001174129.5), dbSNP rs2114654019, ClinGen allele CA365628571.

ClinVar aggregate classification (germline): Pathogenic/Likely pathogenic. Review status: criteria provided, multiple submitters, no conflicts (2 of 4 stars). 2 submissions from 2 submitters: Pathogenic (1); Likely pathogenic (1). Last evaluated 2024-01-04.

Conditions:
LAMA2-related muscular dystrophy (LAMA2-RD). Also called: Laminin alpha 2-related dystrophy. Identifiers: MedGen C5679788, MONDO:0100228.
Merosin deficient congenital muscular dystrophy (MDC1A). Also called: Congenital Muscular Dystrophy Type 1A (MDC1A); Congenital merosin-deficient muscular dystrophy 1A. Identifiers: Orphanet 258, MedGen C1263858, MONDO:0011925, OMIM 607855.

gnomAD v4.1: 2 of 1,613,878 alleles (0.00012%); highest among the groups gnomAD compares: Non-Finnish European, 0.00017%; no homozygotes.

Submissions (2):

Labcorp Genetics (formerly Invitae), Labcorp
Classification: Pathogenic for LAMA2-related muscular dystrophy. Last evaluated: 2024-01-04. Review status: criteria provided, single submitter. Criteria: Invitae Variant Classification Sherloc (09022015). Collection method: clinical testing. Allele origin: germline.
Comment: This sequence change creates a premature translational stop signal (p.Gln1666*) in the LAMA2 gene. It is expected to result in an absent or disrupted protein product. Loss-of-function variants in LAMA2 are known to be pathogenic (PMID: 18700894, 32904964). This variant is not present in population databases (gnomAD no frequency). This variant has not been reported in the literature in individuals affected with LAMA2-related conditions. ClinVar contains an entry for this variant (Variation ID: 1174129). For these reasons, this variant has been classified as Pathogenic.

Breda Genetics srl
Classification: Likely pathogenic for Merosin deficient congenital muscular dystrophy. Last evaluated: 2019-03-13. Review status: criteria provided, single submitter. Criteria: ACMG Guidelines, 2015. Collection method: clinical testing. Allele origin: germline. Inheritance: Autosomal recessive inheritance. Affected: yes. Observed: 1 variant allele, 1 compound heterozygote.
Comment: The variant c.4996C>T (p.Gln1666*) in the LAMA2 gene creates a premature stop codon at amino acid position 1666 and is likely to result in a truncated protein or protein loss due to nonsense-mediated messenger decay (NMD). This variant has not been reported in dbSNP, gnomAD, 1000 Genomes, NHLI Exome Sequencing Project (ESP) or ClinVar.

Literature cited by the submitters: PubMed 18700894 (cited by Labcorp Genetics (formerly Invitae), Labcorp); PubMed 32904964 (cited by Labcorp Genetics (formerly Invitae), Labcorp).